The following is an entry in ClinVar:

NM_004136.4(IREB2):c.637A>G (p.Thr213Ala)

Gene: IREB2 (iron responsive element binding protein 2; plus strand). Cytogenetic location: 15q25.1.
Variant type: single nucleotide variant.
Coding change: c.637A>G on transcript NM_004136.4 (MANE Select); coding-DNA position 637, A replaced by G.
Protein change: p.Thr213Ala; replaces threonine 213 with alanine.
Molecular consequence: missense variant. On other transcripts: intron variant (1).
Genome position (GRCh38, 1-based): chr15:78,470,539, A>G. VCF-style: chr15-78470539-A-G. GRCh37 (hg19) VCF-style: chr15-78762881-A-G.
Other names: c.466A>G, p.Thr156Ala (NM_001320942.2, NM_001354994.2); c.637A>G, p.Thr213Ala (NM_001320943.2); c.-51-1202A>G (NM_001320941.2); c.637A>G (NM_004136.2); short protein forms T156A, T213A.
Identifiers: ClinVar variation 2427850 (VCV002427850.4), dbSNP rs777876620, ClinGen allele CA7682758.

ClinVar aggregate classification (germline): Uncertain significance. Review status: criteria provided, multiple submitters, no conflicts (2 of 4 stars). 2 submissions from 2 submitters: Uncertain significance (2). Last evaluated 2024-06-16.

Conditions:
Inborn genetic diseases. Identifiers: MedGen C0950123, MeSH D030342.

Allele frequency attached by ClinVar (database versions not stated): ExAC 0.00007.
gnomAD v4.1: 51 of 1,592,414 alleles (0.0032%); highest among the groups gnomAD compares: South Asian, 0.047%; no homozygotes.

Submissions (2):

Ambry Genetics
Classification: Uncertain significance for Inborn genetic diseases. Last evaluated: 2024-06-16. Review status: criteria provided, single submitter. Criteria: Ambry Variant Classification Scheme 2023. Collection method: clinical testing. Allele origin: germline.

Labcorp Genetics (formerly Invitae), Labcorp
Classification: Uncertain significance. Last evaluated: 2022-08-10. Review status: criteria provided, single submitter. Criteria: Invitae Variant Classification Sherloc (09022015). Collection method: clinical testing. Allele origin: germline.
Comment: This sequence change replaces threonine, which is neutral and polar, with alanine, which is neutral and non-polar, at codon 213 of the IREB2 protein (p.Thr213Ala). This variant is present in population databases (rs777876620, gnomAD 0.05%). This variant has not been reported in the literature in individuals affected with IREB2-related conditions. Algorithms developed to predict the effect of missense changes on protein structure and function are either unavailable or do not agree on the potential impact of this missense change (SIFT: "Not Available"; PolyPhen-2: "Benign"; Align-GVGD: "Not Available"). In summary, the available evidence is currently insufficient to determine the role of this variant in disease. Therefore, it has been classified as a Variant of Uncertain Significance.